The following is an entry in ClinVar:

NM_000532.5(PCCB):c.563G>C (p.Gly188Ala)

Gene: PCCB (propionyl-CoA carboxylase subunit beta; plus strand). Cytogenetic location: 3q22.3.
Variant type: single nucleotide variant.
Coding change: c.563G>C on transcript NM_000532.5 (MANE Select); coding-DNA position 563, G replaced by C.
Protein change: p.Gly188Ala; replaces glycine 188 with alanine.
Molecular consequence: missense variant.
Genome position (GRCh38, 1-based): chr3:136,283,856, G>C. VCF-style: chr3-136283856-G-C. GRCh37 (hg19) VCF-style: chr3-136002698-G-C.
Other names: c.623G>C, p.Gly208Ala (NM_001178014.2); short protein forms G188A, G208A.
Identifiers: ClinVar variation 203888 (VCV000203888.11), dbSNP rs796052024, ClinGen allele CA312831.

ClinVar aggregate classification (germline): Conflicting classifications of pathogenicity. Review status: criteria provided, conflicting classifications (1 of 4 stars). 4 submissions from 4 submitters: Likely pathogenic (2); Uncertain significance (1). 1 of the submissions does not count toward it. Last evaluated 2026-01-22.

Conditions:
Propionic acidemia (PROP). Also called: GLYCINEMIA, KETOTIC; HYPERGLYCINEMIA WITH KETOACIDOSIS AND LEUKOPENIA; KETOTIC HYPERGLYCINEMIA. Identifiers: Orphanet 35, MedGen C0268579, MONDO:0011628, OMIM 606054, HP:0003571.

Allele frequency attached by ClinVar (database versions not stated): gnomAD exomes below 0.00001; TOPMed below 0.00001; gnomAD 0.00001.
gnomAD v4.1: 3 of 1,613,200 alleles (0.00019%); highest among the groups gnomAD compares: South Asian, 0.0022%; no homozygotes.

Submissions (4):

Labcorp Genetics (formerly Invitae), Labcorp
Classification: Likely pathogenic for Propionic acidemia. Last evaluated: 2026-01-22. Review status: criteria provided, single submitter. Criteria: Invitae Variant Classification Sherloc (09022015). Collection method: clinical testing. Allele origin: germline.
Comment: This sequence change replaces glycine, which is neutral and non-polar, with alanine, which is neutral and non-polar, at codon 188 of the PCCB protein (p.Gly188Ala). This variant is present in population databases (rs796052024, gnomAD 0.003%). This missense change has been observed in individual(s) with propionic acidemia (PMID: 27825584, 30274917, 36801247). ClinVar contains an entry for this variant (Variation ID: 203888). Invitae Evidence Modeling of protein sequence and biophysical properties (such as structural, functional, and spatial information, amino acid conservation, physicochemical variation, residue mobility, and thermodynamic stability) indicates that this missense variant is expected to disrupt PCCB protein function with a positive predictive value of 80%. Experimental studies have shown that this missense change affects PCCB function (PMID: 30274917). This variant disrupts the p.Gly188 amino acid residue in PCCB. Other variant(s) that disrupt this residue have been determined to be pathogenic (PMID: 12559849, 22033733, 23053474, 27900673). This suggests that this residue is clinically significant, and that variants that disrupt this residue are likely to be disease-causing. In summary, the currently available evidence indicates that the variant is pathogenic, but additional data are needed to prove that conclusively. Therefore, this variant has been classified as Likely Pathogenic.

Fulgent Genetics
Classification: Likely pathogenic for Propionic acidemia. Last evaluated: 2024-03-12. Review status: criteria provided, single submitter. Criteria: ACMG Guidelines, 2015. Collection method: clinical testing. Allele origin: germline.

Neuberg Centre For Genomic Medicine, NCGM
Classification: Uncertain significance for Propionic acidemia. Review status: criteria provided, single submitter. Criteria: ACMG Guidelines, 2015. Collection method: clinical testing. Allele origin: germline. Affected: yes.
Comment: The missense variant p.G188A in PCCB (NM_000532.5) has not been reported previously as a pathogenic or a benign variant to the best of our knowledge. Another missense variant affecting the same residue G188R has been previously reported to be disease causing. The p.G188A variant is observed in 1/30,616 (0.0033%) alleles from individuals of South Asian background in gnomAD Exomes and is novel (not in any individuals) in 1000 Genomes. The p.G188A missense variant is predicted to be damaging by both SIFT and PolyPhen2. The glycine residue at codon 188 of PCCB is conserved in all mammalian species. The nucleotide c.563 in PCCB is predicted conserved by GERP++ and PhyloP across 100 vertebrates. For these reasons, this variant has been classified as Uncertain Significance.

Counsyl
Classification: Uncertain significance for Propionic acidemia. Last evaluated: 2017-09-18. Review status: no assertion criteria provided. Collection method: clinical testing. Allele origin: unknown. Not counted in ClinVar's aggregate classification.

Literature cited by the submitters: PubMed 27825584 (cited by Labcorp Genetics (formerly Invitae), Labcorp); PubMed 30274917 (cited by Labcorp Genetics (formerly Invitae), Labcorp); PubMed 36801247 (cited by Labcorp Genetics (formerly Invitae), Labcorp); PubMed 12559849 (cited by Labcorp Genetics (formerly Invitae), Labcorp); PubMed 22033733 (cited by Labcorp Genetics (formerly Invitae), Labcorp); PubMed 23053474 (cited by Labcorp Genetics (formerly Invitae), Labcorp); PubMed 27900673 (cited by Labcorp Genetics (formerly Invitae), Labcorp).